The following is an entry in ClinVar:

ClinVar aggregate classification (germline): Pathogenic (1 of 4 stars; one submission).

Conditions:
Arginase deficiency. Also called: ARGININEMIA; ARG1 DEFICIENCY; Arginase 1 Deficiency. Identifiers: Orphanet 90, MedGen C0268548, MONDO:0008814, OMIM 207800.

Submission:

Laboratoire Génétique Moléculaire, CHRU TOURS
Classification: Pathogenic for Arginase deficiency. Last evaluated: 2024-12-13. Review status: criteria provided, single submitter. Criteria: ACMG Guidelines, 2015. Collection method: clinical testing. Allele origin: unknown. Affected: yes.
Comment: PS4;PM2;PM3;PP4;PP5

NM_000045.4(ARG1):c.766G>A (p.Glu256Lys)

Genes: ARG1 (arginase 1; plus strand), MED23 (mediator complex subunit 23; minus strand). Cytogenetic location: 6q23.2.
Variant type: single nucleotide variant.
Coding change: c.766G>A on transcript NM_000045.4 (MANE Select); coding-DNA position 766, G replaced by A.
Protein change: p.Glu256Lys; replaces glutamic acid 256 with lysine.
Molecular consequence: missense variant. On other transcripts: non-coding transcript variant (1), intron variant (2).
Genome position (GRCh38, 1-based): chr6:131,583,455, G>A. VCF-style: chr6-131583455-G-A. GRCh37 (hg19) VCF-style: chr6-131904595-G-A.
Other names: c.511G>A, p.Glu171Lys (NM_001369020.1); c.4077+4254C>T (NM_001270521.2); c.4095+4254C>T (NM_015979.4); c.790G>A, p.Glu264Lys (NM_001244438.2); short protein forms E171K, E264K, E256K.
Identifiers: ClinVar variation 4294382 (VCV004294382.1).